The following is an entry in ClinVar:

NC_000003.11:g.(?_10191471)_(10195354_?)dup

Genes: VHL (von Hippel-Lindau tumor suppressor; plus strand), LOC107303340 (3p25 von Hippel-Lindau tumor suppressor, E3 ubiquitin protein ligase Alu-mediated recombination region; plus strand). Cytogenetic location: 3p25.3.
Variant type: Duplication.
Identifiers: ClinVar variation 417571 (VCV000417571.1).

ClinVar aggregate classification (germline): Uncertain significance (1 of 4 stars; one submission).

Conditions:
Chuvash polycythemia. Also called: POLYCYTHEMIA, VHL-DEPENDENT. Identifiers: Orphanet 238557, MedGen C1837915, MONDO:0009892, OMIM 263400.
Von Hippel-Lindau syndrome (VHLS). Also called: Von Hippel-Lindau; von Hippel–Lindau syndrome; VHL syndrome. Identifiers: Orphanet 892, MedGen C0019562, MONDO:0008667, OMIM 193300. Disease mechanism: loss of function.

Submission:

Labcorp Genetics (formerly Invitae), Labcorp
Classification: Uncertain significance for Von Hippel-Lindau syndrome; Chuvash polycythemia. Last evaluated: 2016-10-25. Review status: criteria provided, single submitter. Criteria: Invitae Variant Classification Sherloc (09022015). Collection method: clinical testing. Allele origin: germline.
Comment: This variant is a gross duplication of the genomic region encompassing exon 3 of the VHL gene. The 5' boundary is likely confined to intron 2. The 3' end of this event is unknown as it extends beyond the assayed region for this gene and therefore may encompass additional genes. Duplications of exon 3 have not been reported in the literature in individuals with a VHL-related disease. In summary, the exact genomic location of this variant is unknown and the impact of this duplication on VHL protein function has not been established. Therefore, it has been classified as a Variant of Uncertain Significance.